The following is an entry in ClinVar:

NM_001242896.3(DEPDC5):c.4576C>T (p.Arg1526Trp)

Gene: DEPDC5 (DEP domain containing 5, GATOR1 subcomplex subunit; plus strand). Cytogenetic location: 22q12.3.
Variant type: single nucleotide variant.
Coding change: c.4576C>T on transcript NM_001242896.3 (MANE Select); coding-DNA position 4576, C replaced by T.
Protein change: p.Arg1526Trp; replaces arginine 1526 with tryptophan.
Molecular consequence: missense variant. On other transcripts: non-coding transcript variant (5).
Genome position (GRCh38, 1-based): chr22:31,906,261, C>T. VCF-style: chr22-31906261-C-T. GRCh37 (hg19) VCF-style: chr22-32302247-C-T.
Other names: c.4576C>T (NM_001242896.1); c.4549C>T, p.Arg1517Trp (NM_001136029.4); c.4276C>T, p.Arg1426Trp (NM_001242897.2); c.4510C>T, p.Arg1504Trp (NM_001363852.2, NM_001364320.2); c.4342C>T, p.Arg1448Trp (NM_001363854.2, NM_001364319.2); c.4576C>T, p.Arg1526Trp (NM_001364318.2); c.4492C>T, p.Arg1498Trp (NM_001369901.1, NM_001369902.1); c.4483C>T, p.Arg1495Trp (NM_001369903.1, NM_014662.6); short protein forms R1526W, R1426W, R1448W, R1498W, R1517W, R1495W, R1504W.
Identifiers: ClinVar variation 2191955 (VCV002191955.5), dbSNP rs773000951, ClinGen allele CA10197289.

ClinVar aggregate classification (germline): Uncertain significance. Review status: criteria provided, multiple submitters, no conflicts (2 of 4 stars). 2 submissions from 2 submitters: Uncertain significance (2). Last evaluated 2025-11-26.

Conditions:
Inborn genetic diseases. Identifiers: MedGen C0950123, MeSH D030342.
Familial focal epilepsy with variable foci (FPEVF). Identifiers: Orphanet 98820, MedGen C1858477, MONDO:0020310.

Allele frequency attached by ClinVar (database versions not stated): gnomAD exomes below 0.00001; ExAC 0.00001; gnomAD 0.00001; TOPMed 0.00001.
gnomAD v4.1: 5 of 1,613,792 alleles (0.00031%); highest among the groups gnomAD compares: South Asian, 0.0011%; no homozygotes.

Submissions (2):

Ambry Genetics
Classification: Uncertain significance for Inborn genetic diseases. Last evaluated: 2025-11-26. Review status: criteria provided, single submitter. Criteria: Ambry Variant Classification Scheme 2023. Collection method: clinical testing. Allele origin: germline.

Labcorp Genetics (formerly Invitae), Labcorp
Classification: Uncertain significance for Familial focal epilepsy with variable foci. Last evaluated: 2025-02-24. Review status: criteria provided, single submitter. Criteria: Invitae Variant Classification Sherloc (09022015). Collection method: clinical testing. Allele origin: germline.
Comment: This sequence change replaces arginine, which is basic and polar, with tryptophan, which is neutral and slightly polar, at codon 1526 of the DEPDC5 protein (p.Arg1526Trp). The frequency data for this variant in the population databases is considered unreliable, as metrics indicate poor data quality at this position in the gnomAD database. This variant has not been reported in the literature in individuals affected with DEPDC5-related conditions. ClinVar contains an entry for this variant (Variation ID: 2191955). Experimental studies and prediction algorithms are not available or were not evaluated, and the functional significance of this variant is currently unknown. In summary, the available evidence is currently insufficient to determine the role of this variant in disease. Therefore, it has been classified as a Variant of Uncertain Significance.